The following is an entry in ClinVar:

NM_005902.4(SMAD3):c.268C>T (p.Arg90Cys)

Gene: SMAD3 (SMAD family member 3; plus strand). Cytogenetic location: 15q22.33.
Variant type: single nucleotide variant.
Coding change: c.268C>T on transcript NM_005902.4 (MANE Select); coding-DNA position 268, C replaced by T.
Protein change: p.Arg90Cys; replaces arginine 90 with cysteine.
Molecular consequence: missense variant. On other transcripts: 5 prime UTR variant (1).
Genome position (GRCh38, 1-based): chr15:67,164,956, C>T. VCF-style: chr15-67164956-C-T. GRCh37 (hg19) VCF-style: chr15-67457294-C-T.
Other names: c.-48C>T (NM_001145102.2); c.136C>T, p.Arg46Cys (NM_001145103.2); short protein forms R90C, R46C.
Identifiers: ClinVar variation 426202 (VCV000426202.26), dbSNP rs1085307496, ClinGen allele CA392953880.

ClinVar aggregate classification (germline): Conflicting classifications of pathogenicity. Review status: criteria provided, conflicting classifications (1 of 4 stars). 8 submissions from 8 submitters: Pathogenic (1); Likely pathogenic (6); Uncertain significance (1). Last evaluated 2026-10-21.

Conditions:
SMAD3-related disorder. Also called: SMAD3-related condition.
Familial thoracic aortic aneurysm and aortic dissection (TAAD). Also called: Thoracic aortic aneurysms and dissections. Identifiers: Orphanet 91387, MedGen C4707243, MONDO:0019625.
Aneurysm-osteoarthritis syndrome. Also called: ANEURYSMS-OSTEOARTHRITIS SYNDROME; SMAD3-Related Loeys-Dietz Syndrome; Loeys-Dietz syndrome, type 1C; LOEYS-DIETZ SYNDROME WITH OSTEOARTHRITIS. Identifiers: Orphanet 284984, MedGen C3151087, MONDO:0013426, OMIM 613795.

Allele frequency attached by ClinVar (database versions not stated): gnomAD 0.00001; gnomAD exomes below 0.00001; TOPMed 0.00001.
gnomAD v4.1: 5 of 1,613,792 alleles (0.00031%); highest among the groups gnomAD compares: Non-Finnish European, 0.00025%; no homozygotes.

Submissions (8):

GeneDx
Classification: Uncertain significance. Last evaluated: 2026-10-21. Review status: criteria provided, single submitter. Criteria: GeneDx Variant Classification Process June 2021. Collection method: clinical testing. Allele origin: germline.
Comment: Not observed at significant frequency in large population cohorts (gnomAD); In silico analysis supports that this missense variant has a deleterious effect on protein structure/function; This variant is associated with the following publications: (PMID: 00000, 30661052, 37937776, 25944730, 34440302)

Illumina Laboratory Services, Illumina
Classification: Likely pathogenic for Aneurysm-osteoarthritis syndrome. Last evaluated: 2026-08-11. Review status: criteria provided, single submitter. Criteria: ISL SNV Classification Criteria 03 February 2026. Collection method: clinical testing. Allele origin: unknown.
Comment: The MUTYH c.228C>T p.(Tyr76=) variant is a synonymous variant. This variant is repoted in the Genome Aggregation Database in 5 alleles at a frequency of 0.005482 in the Amish population (version 4.1.1). This variant is observed in 7 homozygotes in the European (non-Finnish) population. Multiple lines of computational evidence suggest the variant may not impact the gene or gene product. Based on the available evidence, this variant is classified as likely benign

Ambry Genetics
Classification: Likely pathogenic for Familial thoracic aortic aneurysm and aortic dissection. Last evaluated: 2025-08-29. Review status: criteria provided, single submitter. Criteria: Ambry Variant Classification Scheme 2023. Collection method: clinical testing. Allele origin: germline.
Comment: The p.R90C variant (also known as c.268C>T), located in coding exon 2 of the SMAD3 gene, results from a C to T substitution at nucleotide position 268. The arginine at codon 90 is replaced by cysteine, an amino acid with highly dissimilar properties. This variant was reported in individual(s) with features consistent with SMAD3-related Loeys-Dietz syndrome (Wooderchak-Donahue W et al. Am J Med Genet A, 2015 Aug;167A:1747-57; Hostetler EM et al. J Med Genet. 2019 Apr;56(4):252-260; Jensson BO et al. N Engl J Med, 2023 Nov;389:1741-1752; Ambry internal data). Other variant(s) at the same codon, p.R90H (c.269G>A), have been identified in individual(s) with features consistent with SMAD3-related Loeys-Dietz syndrome (Ratajska A et al. Mol Genet Genomic Med, 2023 Feb;11:e2107; Hicks KL et al. J Vasc Surg, 2018 Sep;68:701-711; Schepers D et al. Hum. Mutat., 2018 05;39:621-634; Ambry internal data). This missense alteration is located in a region that has a low rate of benign missense variation (Lek M et al. Nature. 2016 Aug 18;536(7616):285-91; DECIPHER: Database of Chromosomal Imbalance and Phenotype in Humans using Ensembl Resources. Firth H.V. et al. 2009. Am.J.Hum.Genet. 84, 524-533 (DOI)). This amino acid position is highly conserved in available vertebrate species. In addition, this alteration is predicted to be deleterious by in silico analysis. This variant is considered to be rare based on population cohorts in the Genome Aggregation Database (gnomAD). Based on the majority of available evidence to date, this variant is likely to be pathogenic.

Labcorp Genetics (formerly Invitae), Labcorp
Classification: Pathogenic for Familial thoracic aortic aneurysm and aortic dissection. Last evaluated: 2025-06-16. Review status: criteria provided, single submitter. Criteria: Invitae Variant Classification Sherloc (09022015). Collection method: clinical testing. Allele origin: germline.
Comment: This sequence change replaces arginine, which is basic and polar, with cysteine, which is neutral and slightly polar, at codon 90 of the SMAD3 protein (p.Arg90Cys). This variant is present in population databases (no rsID available, gnomAD 0.0009%). This missense change has been observed in individuals with clinical features of SMAD3-related conditions (PMID: 25944730, 30661052; internal data). ClinVar contains an entry for this variant (Variation ID: 426202). Invitae Evidence Modeling of protein sequence and biophysical properties (such as structural, functional, and spatial information, amino acid conservation, physicochemical variation, residue mobility, and thermodynamic stability) indicates that this missense variant is expected to disrupt SMAD3 protein function with a positive predictive value of 80%. This variant disrupts the p.Arg90 amino acid residue in SMAD3. Other variant(s) that disrupt this residue have been determined to be pathogenic (PMID: 29392890, 29510914, 36495030). This suggests that this residue is clinically significant, and that variants that disrupt this residue are likely to be disease-causing. For these reasons, this variant has been classified as Pathogenic.

Institute of Human Genetics Munich, TUM University Hospital
Classification: Likely pathogenic for Aneurysm-osteoarthritis syndrome. Last evaluated: 2024-05-27. Review status: criteria provided, single submitter. Criteria: Classification criteria August 2017. Collection method: clinical testing. Allele origin: paternal. Inheritance: Autosomal dominant inheritance. Affected: yes. Observed: 1 variant allele.

Blueprint Genetics
Classification: Likely pathogenic for SMAD3-related disorders. Last evaluated: 2023-12-15. Review status: criteria provided, single submitter. Criteria: ACMG Guidelines, 2015. Collection method: clinical testing. Allele origin: germline. Affected: yes. Observed: 5 variant alleles.

All of Us Research Program, National Institutes of Health
Classification: Likely pathogenic for Aneurysm-osteoarthritis syndrome. Last evaluated: 2023-07-19. Review status: criteria provided, single submitter. Criteria: ACMG Guidelines, 2015. Collection method: clinical testing. Allele origin: germline. Inheritance: Autosomal dominant inheritance. Observed: 1 variant allele, 1 heterozygote.
Comment: This missense variant replaces arginine with cysteine at codon 90 of the SMAD3 protein. Computational prediction suggests that this variant may have deleterious impact on protein structure and function (internally defined REVEL score threshold >= 0.7, PMID: 27666373). To our knowledge, functional studies have not been reported for this variant. This variant has been reported in seven unrelated individuals affected with thoracic aortic aneurysm and dissection or other SMAD3-related conditions (PMID: 30661052, 25944730, ClinVar SCV000658878.6, SCV000576587.4, doi:10.13140/2.1.3820.7683). A first degree family member of one of the probands was also reported to be an affected carrier (ClinVar SCV000658878.6). This variant has been identified in 1/251404 chromosomes in the general population by the Genome Aggregation Database (gnomAD). Different variants occurring at the same codon, p.Arg90His and p.Arg90dup, have also been reported in individuals affected with thoracic aortic aneurysm and dissection or related conditions (PMID: 29510914, 32154675, ClinVar RCV000246998.2), indicating that arginine at this position is important for SMAD3 protein function. Based on the available evidence, this variant is classified as Likely Pathogenic.

This study involves interpretation of variants in research participants for the purpose of population health screening. Participant phenotype was not available at the time of variant classification. Additional details can be found in publication PMID: 35346344, PMCID: PMC8962531

Color Diagnostics, LLC DBA Color Health
Classification: Likely pathogenic for Familial thoracic aortic aneurysm and aortic dissection. Last evaluated: 2023-05-18. Review status: criteria provided, single submitter. Criteria: ACMG Guidelines, 2015. Collection method: clinical testing. Allele origin: germline.
Comment: This missense variant replaces arginine with cysteine at codon 90 of the SMAD3 protein. Computational prediction suggests that this variant may have deleterious impact on protein structure and function (internally defined REVEL score threshold >= 0.7, PMID: 27666373). To our knowledge, functional studies have not been reported for this variant. This variant has been reported in seven unrelated individuals affected with thoracic aortic aneurysm and dissection or other SMAD3-related conditions (PMID: 30661052, 25944730, ClinVar SCV000658878.6, SCV000576587.4, doi:10.13140/2.1.3820.7683). A first degree family member of one of the probands was also reported to be an affected carrier (ClinVar SCV000658878.6). This variant has been identified in 1/251404 chromosomes in the general population by the Genome Aggregation Database (gnomAD). Different variants occurring at the same codon, p.Arg90His and p.Arg90dup, have also been reported in individuals affected with thoracic aortic aneurysm and dissection or related conditions (PMID: 29510914, 32154675, ClinVar RCV000246998.2), indicating that arginine at this position is important for SMAD3 protein function. Based on the available evidence, this variant is classified as Likely Pathogenic.

Literature cited by the submitters: PubMed 25944730 (cited by 4 submitters); PubMed 36495030 (cited by Ambry Genetics and Labcorp Genetics (formerly Invitae), Labcorp); PubMed 37937776 (cited by Ambry Genetics); PubMed 30661052 (cited by 3 submitters); PubMed 29392890 (cited by Labcorp Genetics (formerly Invitae), Labcorp); PubMed 29510914 (cited by 3 submitters); PubMed 32154675 (cited by All of Us Research Program, National Institutes of Health and Color Diagnostics, LLC DBA Color Health).